The following is an entry in ClinVar:

ClinVar aggregate classification (germline): Conflicting classifications of pathogenicity. Review status: criteria provided, conflicting classifications (1 of 4 stars). 5 submissions from 5 submitters: Uncertain significance (4); Likely benign (1). Last evaluated 2025-07-03.

Conditions:
Familial hypobetalipoproteinemia 1. Also called: APOB-Related Familial Hypobetalipoproteinemia; Hypobetalipoproteinemia, normotriglyceridemic; Acanthocytosis with hypobetalipoproteinemia. Identifiers: MedGen C4551990, MONDO:0014252, OMIM 615558.
Hypercholesterolemia, autosomal dominant, type B (FHCL2). Also called: Familial Hypercholesterolemia Type B; APOLIPOPROTEIN B-100, FAMILIAL DEFECTIVE; APOLIPOPROTEIN B-100, FAMILIAL LIGAND-DEFECTIVE; HYPERCHOLESTEROLEMIA, FAMILIAL, DUE TO LIGAND-DEFECTIVE APOLIPOPROTEIN B; APOB-Related Familial Hypercholesterolemia, Autosomal Dominant; Familial hypercholesterolemia 2. Identifiers: MedGen C1704417, MONDO:0007751, OMIM 144010.
Cardiovascular phenotype. Identifiers: MedGen CN230736.

Allele frequency attached by ClinVar (database versions not stated): gnomAD 0.00018 and 0.00020; gnomAD exomes 0.00002; ExAC 0.00004; ESP Exome Variant Server 0.00008; TOPMed 0.00015.

Submissions (5):

Quest Diagnostics Nichols Institute San Juan Capistrano
Classification: Uncertain significance. Last evaluated: 2025-07-03. Review status: criteria provided, single submitter. Criteria: Quest Diagnostics criteria. Collection method: clinical testing. Allele origin: unknown.
Comment: The APOB c.12959T>C (p.Met4320Thr) variant has not been reported in individuals with APOB-related conditions in the published literature. The frequency of this variant in the general population (Genome Aggregation Database) is uninformative in the assessment of its pathogenicity. Analysis of this variant using bioinformatics tools for the prediction of the effect of amino acid changes on protein structure and function yielded predictions that this variant is benign. Based on the available information, we are unable to determine the clinical significance of this variant.

Labcorp Genetics (formerly Invitae), Labcorp
Classification: Likely benign for Familial hypobetalipoproteinemia 1; Hypercholesterolemia, autosomal dominant, type B. Last evaluated: 2024-12-12. Review status: criteria provided, single submitter. Criteria: Invitae Variant Classification Sherloc (09022015). Collection method: clinical testing. Allele origin: germline.

GeneDx
Classification: Uncertain significance. Last evaluated: 2023-11-08. Review status: criteria provided, single submitter. Criteria: GeneDx Variant Classification Process June 2021. Collection method: clinical testing. Allele origin: germline. Affected: yes.
Comment: In silico analysis supports that this missense variant does not alter protein structure/function; Has not been previously published as pathogenic or benign to our knowledge; Also known as p.(M4293T)

Ambry Genetics
Classification: Uncertain significance for Cardiovascular phenotype. Last evaluated: 2022-12-29. Review status: criteria provided, single submitter. Criteria: Ambry Variant Classification Scheme 2023. Collection method: clinical testing. Allele origin: germline.
Comment: The p.M4320T variant (also known as c.12959T>C), located in coding exon 29 of the APOB gene, results from a T to C substitution at nucleotide position 12959. The methionine at codon 4320 is replaced by threonine, an amino acid with similar properties. This amino acid position is conserved. In addition, this alteration is predicted to be tolerated by in silico analysis. Since supporting evidence is limited at this time, the clinical significance of this alteration remains unclear.

Fulgent Genetics
Classification: Uncertain significance for Hypercholesterolemia, autosomal dominant, type B; Familial hypobetalipoproteinemia 1. Last evaluated: 2021-09-22. Review status: criteria provided, single submitter. Criteria: ACMG Guidelines, 2015. Collection method: clinical testing. Allele origin: unknown.

NM_000384.3(APOB):c.12959T>C (p.Met4320Thr)

Gene: APOB (apolipoprotein B; minus strand). Cytogenetic location: 2p24.1.
Variant type: single nucleotide variant.
Coding change: c.12959T>C on transcript NM_000384.3 (MANE Select); coding-DNA position 12959, T replaced by C.
Protein change: p.Met4320Thr; replaces methionine 4320 with threonine.
Molecular consequence: missense variant.
Genome position (GRCh38, 1-based): chr2:21,002,463, A>G on the plus strand (T>C on the coding strand, the complement: APOB is on the minus strand). VCF-style: chr2-21002463-A-G. GRCh37 (hg19) VCF-style: chr2-21225335-A-G.
Other names: c.12959T>C (NM_000384.2); short protein forms M4320T.
Identifiers: ClinVar variation 1384410 (VCV001384410.10), dbSNP rs377127458, ClinGen allele CA051538.